The following is an entry in ClinVar:

ClinVar aggregate classification (germline): Uncertain significance (1 of 4 stars; one submission).

Conditions:
Brain small vessel disease 2A, autosomal dominant. Also called: Porencephaly 2. Identifiers: Orphanet 2940, Orphanet 99810, MedGen C3280970, MONDO:0013773, OMIM 614483.

Submission:

Broad Center for Mendelian Genomics, Broad Institute of MIT and Harvard
Classification: Uncertain significance for Brain small vessel disease 2A, autosomal dominant. Last evaluated: 2023-01-25. Review status: criteria provided, single submitter. Criteria: ACMG Guidelines, 2015. Collection method: curation. Allele origin: germline. Inheritance: Autosomal dominant inheritance.
Comment: The p.Ser144Ter variant in COL4A2 has not been previously reported in individuals with brain small vessel disease 2. This variant was absent from large population studies. This nonsense variant leads to a premature termination codon at position 144, which is predicted to lead to a truncated or absent protein. Heterozygous loss of function of the COL4A2 gene is strongly associated to autosomal dominant brain small vessel disease 2. In summary, although there is some suspicion for a pathogenic role, the clinical significance of this variant is uncertain. ACMG/AMP Criteria applied: PVS1_Strong, PM2_Supporting (Richards 2015).

NM_001846.4(COL4A2):c.431C>G (p.Ser144Ter)

Gene: COL4A2 (collagen type IV alpha 2 chain; plus strand). Cytogenetic location: 13q34.
Variant type: single nucleotide variant.
Coding change: c.431C>G on transcript NM_001846.4 (MANE Select); coding-DNA position 431, C replaced by G.
Protein change: p.Ser144Ter; replaces serine 144 with a stop codon.
Molecular consequence: nonsense.
Genome position (GRCh38, 1-based): chr13:110,428,537, C>G. VCF-style: chr13-110428537-C-G. GRCh37 (hg19) VCF-style: chr13-111080884-C-G.
Other names: NM_001846.4:c.431C>G; short protein forms S144*.
Identifiers: ClinVar variation 2412729 (VCV002412729.1), dbSNP rs267603754, ClinGen allele CA388729120.
Genomic context (GRCh38, chr13:110,428,537, plus strand): 5'-GGCAAGGTGGGCCCAGGGGAAGGCCGGGCTACGATGGCTGCAACGGAACCCAGGGAGACT[C>G]AGGTCCACAGGGGCCCCCCGGCTCTGAGGGGTTCACCGGGCCTCCCGTGAGTATCCCCAC-3'